The following is an entry in ClinVar:

NM_004304.5(ALK):c.485C>T (p.Ala162Val)

Gene: ALK (ALK receptor tyrosine kinase; minus strand). Cytogenetic location: 2p23.1.
Variant type: single nucleotide variant.
Coding change: c.485C>T on transcript NM_004304.5 (MANE Select); coding-DNA position 485, C replaced by T.
Protein change: p.Ala162Val; replaces alanine 162 with valine.
Molecular consequence: missense variant.
Genome position (GRCh38, 1-based): chr2:29,920,175, G>A on the plus strand (C>T on the coding strand, the complement: ALK is on the minus strand). VCF-style: chr2-29920175-G-A. GRCh37 (hg19) VCF-style: chr2-30143041-G-A.
Other names: short protein forms A162V.
Identifiers: ClinVar variation 651059 (VCV000651059.6), dbSNP rs1572503074, ClinGen allele CA346589953.

ClinVar aggregate classification (germline): Uncertain significance (1 of 4 stars; one submission).

Conditions:
Neuroblastoma, susceptibility to, 3. Also called: ALK-Related Neuroblastic Tumor Susceptibility. Identifiers: Orphanet 635, MedGen C2751681, MONDO:0013083, OMIM 613014.

Submission:

Labcorp Genetics (formerly Invitae), Labcorp
Classification: Uncertain significance for Neuroblastoma, susceptibility to, 3. Last evaluated: 2021-08-27. Review status: criteria provided, single submitter. Criteria: Invitae Variant Classification Sherloc (09022015). Collection method: clinical testing. Allele origin: germline.
Comment: This sequence change replaces alanine with valine at codon 162 of the ALK protein (p.Ala162Val). The alanine residue is weakly conserved and there is a small physicochemical difference between alanine and valine. This variant is not present in population databases (ExAC no frequency). This variant has not been reported in the literature in individuals affected with ALK-related conditions. Algorithms developed to predict the effect of missense changes on protein structure and function output the following: SIFT: "Tolerated"; PolyPhen-2: "Benign"; Align-GVGD: "Class C0". The valine amino acid residue is found in multiple mammalian species, which suggests that this missense change does not adversely affect protein function. In summary, the available evidence is currently insufficient to determine the role of this variant in disease. Therefore, it has been classified as a Variant of Uncertain Significance.